The following is an entry in ClinVar:

ClinVar aggregate classification (germline): Pathogenic (1 of 4 stars; one submission).

Submission:

GeneDx
Classification: Pathogenic. Last evaluated: 2025-07-19. Review status: criteria provided, single submitter. Criteria: GeneDx Variant Classification Process June 2021. Collection method: clinical testing. Allele origin: germline. Affected: yes.
Comment: Identified in a proband with osteogenesis imperfecta type II in published literature (PMID: 18996919); In silico analysis supports that this missense variant has a deleterious effect on protein structure/function; Not observed at significant frequency in large population cohorts (gnomAD); Occurs in the triple helical domain and replaces a glycine in a canonical Gly-X-Y repeat; missense substitution of a canonical glycine residue is expected to disrupt normal protein folding and function, and this is an established mechanism of disease (PMID: 34007986); This variant is associated with the following publications: (PMID: 25525159, 33942572, 18996919, 34007986)

NM_000089.4(COL1A2):c.1685G>T (p.Gly562Val)

Gene: COL1A2 (collagen type I alpha 2 chain; plus strand). Cytogenetic location: 7q21.3.
Variant type: single nucleotide variant.
Coding change: c.1685G>T on transcript NM_000089.4 (MANE Select); coding-DNA position 1685, G replaced by T.
Protein change: p.Gly562Val; replaces glycine 562 with valine.
Molecular consequence: missense variant.
Genome position (GRCh38, 1-based): chr7:94,414,241, G>T. VCF-style: chr7-94414241-G-T. GRCh37 (hg19) VCF-style: chr7-94043553-G-T.
Other names: short protein forms G562V.
Identifiers: ClinVar variation 4686480 (VCV004686480.1).
Genomic context (GRCh38, chr7:94,414,241, plus strand): 5'-GTAGCCATGGGATTGAGATTTGTATTTCTTTTCATTTTTAGGGTCTGCCTGGCCCCTCAG[G>T]TCCCGCTGGTGAAGTTGGCAAACCAGGAGAAAGGGTGAGTAAAACAAGTAATAGTAAGTA-3'
Protein context (NP_000080.2, residues 552-572): PGFQGLPGPS[Gly562Val]PAGEVGKPGE